The following is an entry in ClinVar:

ClinVar aggregate classification (germline): Uncertain significance. Review status: criteria provided, multiple submitters, no conflicts (2 of 4 stars). 2 submissions from 2 submitters: Uncertain significance (2). Last evaluated 2026-08-12.

Conditions:
Familial thoracic aortic aneurysm and aortic dissection (TAAD). Also called: Thoracic aortic aneurysms and dissections. Identifiers: Orphanet 91387, MedGen C4707243, MONDO:0019625.
Hereditary cancer-predisposing syndrome. Also called: Tumor predisposition; Hereditary Cancer Syndrome; Hereditary neoplastic syndrome; Neoplastic Syndromes, Hereditary. Identifiers: Orphanet 140162, MedGen C0027672, MeSH D009386, MONDO:0015356.

Submissions (2):

Ambry Genetics
Classification: Uncertain significance for Hereditary cancer-predisposing syndrome; Familial thoracic aortic aneurysm and aortic dissection. Last evaluated: 2026-08-12. Review status: criteria provided, single submitter. Criteria: Ambry Variant Classification Scheme 2023. Collection method: clinical testing. Allele origin: germline.
Comment: The p.L484P variant (also known as c.1451T>C), located in coding exon 11 of the SMAD4 gene, results from a T to C substitution at nucleotide position 1451. The leucine at codon 484 is replaced by proline, an amino acid with similar properties. This amino acid position is highly conserved in available vertebrate species. In addition, this alteration is predicted to be deleterious by in silico analysis. Based on the available evidence, the clinical significance of this variant remains unclear.

GeneDx
Classification: Uncertain significance. Last evaluated: 2024-06-20. Review status: criteria provided, single submitter. Criteria: GeneDx Variant Classification Process June 2021. Collection method: clinical testing. Allele origin: germline. Affected: yes.
Comment: Not observed at significant frequency in large population cohorts (gnomAD); In silico analysis supports that this missense variant has a deleterious effect on protein structure/function; Has not been previously published as pathogenic or benign to our knowledge; This variant is associated with the following publications: (PMID: 17873119, 18823382, 15235019)

NM_005359.6(SMAD4):c.1451T>C (p.Leu484Pro)

Gene: SMAD4 (SMAD family member 4; plus strand). Cytogenetic location: 18q21.2.
Variant type: single nucleotide variant.
Coding change: c.1451T>C on transcript NM_005359.6 (MANE Select); coding-DNA position 1451, T replaced by C.
Protein change: p.Leu484Pro; replaces leucine 484 with proline.
Molecular consequence: missense variant. On other transcripts: non-coding transcript variant (1).
Genome position (GRCh38, 1-based): chr18:51,078,259, T>C. VCF-style: chr18-51078259-T-C. GRCh37 (hg19) VCF-style: chr18-48604629-T-C.
Other names: c.1451T>C, p.Leu484Pro (NM_001407041.1, NM_001407042.1); short protein forms L484P.
Identifiers: ClinVar variation 3391738 (VCV003391738.3).